The following is an entry in ClinVar:

NM_004614.5(TK2):c.156+3A>G

Gene: TK2 (thymidine kinase 2; minus strand). Cytogenetic location: 16q21.
Variant type: single nucleotide variant.
Coding change: c.156+3A>G on transcript NM_004614.5 (MANE Select); 3 bases into the intron after coding-DNA position 156, A replaced by G.
Molecular consequence: intron variant.
Genome position (GRCh38, 1-based): chr16:66,548,975, T>C on the plus strand (A>G on the coding strand, the complement: TK2 is on the minus strand). VCF-style: chr16-66548975-T-C. GRCh37 (hg19) VCF-style: chr16-66582878-T-C.
Other names: c.63+3A>G (NM_001271935.1, NM_001172643.1); c.156+3A>G (NM_001172644.2, NM_001172645.2, NM_004614.4); c.-87+3A>G (NM_001271934.2); c.-136+3A>G (NM_001272050.2).
Identifiers: ClinVar variation 2896011 (VCV002896011.5), dbSNP rs777758186, ClinGen allele CA8093813.

ClinVar aggregate classification (germline): Likely benign. Review status: criteria provided, single submitter (1 of 4 stars). 2 submissions from 2 submitters: Likely benign (1). 1 of the submissions does not count toward it. Last evaluated 2025-12-27.

Conditions:
TK2-related disorder. Also called: TK2-related condition.

Allele frequency attached by ClinVar (database versions not stated): gnomAD 0.00003; ExAC 0.00016; gnomAD exomes 0.00003; TOPMed 0.00005.
gnomAD v4.1: 47 of 1,612,844 alleles (0.0029%); highest among the groups gnomAD compares: East Asian, 0.1%; no homozygotes.

Submissions (2):

Labcorp Genetics (formerly Invitae), Labcorp
Classification: Likely benign. Last evaluated: 2025-12-27. Review status: criteria provided, single submitter. Criteria: Invitae Variant Classification Sherloc (09022015). Collection method: clinical testing. Allele origin: germline.

PreventionGenetics, part of Exact Sciences
Classification: Likely benign for TK2-related condition. Last evaluated: 2020-03-03. Review status: no assertion criteria provided. Collection method: clinical testing. Allele origin: germline. Not counted in ClinVar's aggregate classification.
Comment: This variant is classified as likely benign based on ACMG/AMP sequence variant interpretation guidelines (Richards et al. 2015 PMID: 25741868, with internal and published modifications).